The following is an entry in ClinVar:

NM_001267550.2(TTN):c.87758G>A (p.Ser29253Asn)

Genes: TTN (titin; minus strand), TTN-AS1 (TTN antisense RNA 1; plus strand). Cytogenetic location: 2q31.2.
Variant type: single nucleotide variant.
Coding change: c.87758G>A on transcript NM_001267550.2 (MANE Select); coding-DNA position 87758, G replaced by A.
Protein change: p.Ser29253Asn; replaces serine 29253 with asparagine.
Molecular consequence: missense variant.
Genome position (GRCh38, 1-based): chr2:178,557,504, C>T on the plus strand (G>A on the coding strand, the complement: TTN is on the minus strand). VCF-style: chr2-178557504-C-T. GRCh37 (hg19) VCF-style: chr2-179422231-C-T.
Other names: p.Ser26685Asn; c.87758G>A (NM_001267550.1); c.82835G>A, p.Ser27612Asn (NM_001256850.1); c.60563G>A, p.Ser20188Asn (NM_003319.4); c.80054G>A, p.Ser26685Asn (NM_133378.4); c.60938G>A, p.Ser20313Asn (NM_133432.3); c.61139G>A, p.Ser20380Asn (NM_133437.4); short protein forms S29253N, S26685N, S20380N, S20188N, S20313N, S27612N.
Identifiers: ClinVar variation 535214 (VCV000535214.17), dbSNP rs757300589, ClinGen allele CA1988262.
Genomic context (GRCh38, chr2:178,557,504, plus strand): 5'-TGATAGCCTACGACTGCACTGCCTCCATTTGACACTGGTTCATGCCAGCCCACAGTGATG[C>T]TTTCTCGAGTAACATTAGTGACCCATGGTGTAGATGGTGGTCCAGGTGTTGCTACAAAAG-3'
Protein context (NP_001254479.2, residues 29243-29263): TPWVTNVTRE[Ser29253Asn]ITVGWHEPVS

ClinVar aggregate classification (germline): Conflicting classifications of pathogenicity. Review status: criteria provided, conflicting classifications (1 of 4 stars). 10 submissions from 10 submitters: Uncertain significance (7); Likely benign (3). Last evaluated 2025-04-09.

Conditions:
Cardiomyopathy (CMYO). Also called: Cardiomyopathies. Identifiers: Orphanet 167848, MedGen C0878544, MONDO:0004994, HP:0001638. Inheritance: Various modes of inheritance.
Dilated cardiomyopathy 1G (CMD1G). Identifiers: Orphanet 154, MedGen C1858763, MONDO:0011400, OMIM 604145.
Autosomal recessive limb-girdle muscular dystrophy type 2J (LGMDR10). Also called: Limb-girdle muscular dystrophy, type 2J; MUSCULAR DYSTROPHY, LIMB-GIRDLE, AUTOSOMAL RECESSIVE 10. Identifiers: Orphanet 140922, MedGen C1837342, MONDO:0012127, OMIM 608807.
Cardiovascular phenotype. Identifiers: MedGen CN230736.

Allele frequency attached by ClinVar (database versions not stated): ExAC 0.00001; gnomAD exomes 0.00002; gnomAD 0.00006; TOPMed 0.00008.
gnomAD v4.1: 41 of 1,613,802 alleles (0.0025%); highest among the groups gnomAD compares: Admixed American, 0.02%; no homozygotes.

Submissions (10):

Molecular Diagnostic Laboratory for Inherited Cardiovascular Disease, Montreal Heart Institute
Classification: Likely benign. Last evaluated: 2025-04-09. Review status: criteria provided, single submitter. Criteria: ACMG Guidelines, 2015. Collection method: clinical testing. Allele origin: germline. Affected: no.

GeneDx
Classification: Uncertain significance. Last evaluated: 2024-07-23. Review status: criteria provided, single submitter. Criteria: GeneDx Variant Classification Process June 2021. Collection method: clinical testing. Allele origin: germline. Affected: yes.
Comment: Not observed at significant frequency in large population cohorts (gnomAD); Missense variant in a gene in which most reported pathogenic variants are truncating/loss of function; Has not been previously published as pathogenic or benign to our knowledge

Blueprint Genetics
Classification: Likely benign. Last evaluated: 2024-03-05. Review status: criteria provided, single submitter. Criteria: ACMG Guidelines, 2015. Collection method: clinical testing. Allele origin: germline.

Mayo Clinic Laboratories, Mayo Clinic
Classification: Uncertain significance. Last evaluated: 2023-12-28. Review status: criteria provided, single submitter. Criteria: ACMG Guidelines, 2015. Collection method: clinical testing. Allele origin: germline. Observed: 1 variant allele.

CHEO Genetics Diagnostic Laboratory, Children's Hospital of Eastern Ontario
Classification: Likely benign for Cardiomyopathy. Last evaluated: 2023-05-16. Review status: criteria provided, single submitter. Criteria: ACMG Guidelines, 2015. Collection method: clinical testing. Allele origin: germline.

Ambry Genetics
Classification: Uncertain significance for Cardiovascular phenotype. Last evaluated: 2020-05-07. Review status: criteria provided, single submitter. Criteria: Ambry Variant Classification Scheme 2023. Collection method: clinical testing. Allele origin: germline.
Comment: The p.S20188N variant (also known as c.60563G>A), located in coding exon 156 of the TTN gene, results from a G to A substitution at nucleotide position 60563. The serine at codon 20188 is replaced by asparagine, an amino acid with highly similar properties. This amino acid position is well conserved in available vertebrate species. In addition, this alteration is predicted to be tolerated by in silico analysis. Since supporting evidence is limited at this time, the clinical significance of this alteration remains unclear.

Women's Health and Genetics/Laboratory Corporation of America, LabCorp
Classification: Uncertain significance. Last evaluated: 2019-10-30. Review status: criteria provided, single submitter. Criteria: LabCorp Variant Classification Summary - May 2015. Collection method: clinical testing. Allele origin: germline.
Comment: Variant summary: TTN c.80054G>A (p.Ser26685Asn) results in a conservative amino acid change in the encoded protein sequence. Three of five in-silico tools predict a damaging effect of the variant on protein function. The variant allele was found at a frequency of 2e-05 in 248590 control chromosomes (gnomAD). The available data on variant occurrences in the general population are insufficient to allow any conclusion about variant significance. To our knowledge, no occurrence of c.80054G>A in individuals affected with Cardiomyopathy and no experimental evidence demonstrating its impact on protein function have been reported. Two ClinVar submissions (evaluation after 2014) cite the variant as uncertain significance. Based on the evidence outlined above, the variant was classified as uncertain significance.

Revvity Omics, Revvity
Classification: Uncertain significance. Last evaluated: 2019-01-18. Review status: criteria provided, single submitter. Criteria: ACMG Guidelines, 2015. Collection method: clinical testing. Allele origin: germline.

Eurofins Ntd Llc (ga)
Classification: Uncertain significance. Last evaluated: 2018-02-15. Review status: criteria provided, single submitter. Criteria: EGL ClinVar v180209 classification definitions. Collection method: clinical testing. Allele origin: germline. Observed: 4 variant alleles, 4 heterozygotes.

Labcorp Genetics (formerly Invitae), Labcorp
Classification: Uncertain significance for Dilated cardiomyopathy 1G; Autosomal recessive limb-girdle muscular dystrophy type 2J. Last evaluated: 2017-12-28. Review status: criteria provided, single submitter. Criteria: Invitae Variant Classification Sherloc (09022015). Collection method: clinical testing. Allele origin: germline.